The following is an entry in ClinVar:

ClinVar aggregate classification (germline): Uncertain significance (1 of 4 stars; one submission).

Conditions:
Familial cancer of breast. Also called: hereditary breast carcinoma; BREAST CANCER, FAMILIAL; Hereditary breast cancer. Identifiers: Orphanet 227535, MedGen C0346153, MONDO:0016419, OMIM 114480. Disease mechanism: loss of function.
Fanconi anemia complementation group J. Also called: BRIP1-Related Fanconi Anemia. Identifiers: Orphanet 84, MedGen C1836860, MONDO:0012187, OMIM 609054.

Submission:

Labcorp Genetics (formerly Invitae), Labcorp
Classification: Uncertain significance for Familial cancer of breast; Fanconi anemia complementation group J. Last evaluated: 2019-11-20. Review status: criteria provided, single submitter. Criteria: Invitae Variant Classification Sherloc (09022015). Collection method: clinical testing. Allele origin: germline.
Comment: In summary, the available evidence is currently insufficient to determine the role of this variant in disease. Therefore, it has been classified as a Variant of Uncertain Significance. Algorithms developed to predict the effect of missense changes on protein structure and function (SIFT, PolyPhen-2, Align-GVGD) all suggest that this variant is likely to be tolerated, but these predictions have not been confirmed by published functional studies and their clinical significance is uncertain. This variant has not been reported in the literature in individuals with BRIP1-related conditions. This variant is not present in population databases (ExAC no frequency). This sequence change replaces serine with glycine at codon 927 of the BRIP1 protein (p.Ser927Gly). The serine residue is weakly conserved and there is a small physicochemical difference between serine and glycine.

NM_032043.3(BRIP1):c.2779A>G (p.Ser927Gly)

Gene: BRIP1 (BRCA1 interacting DNA helicase 1; minus strand). Cytogenetic location: 17q23.2.
Variant type: single nucleotide variant.
Coding change: c.2779A>G on transcript NM_032043.3 (MANE Select); coding-DNA position 2779, A replaced by G.
Protein change: p.Ser927Gly; replaces serine 927 with glycine.
Molecular consequence: missense variant.
Genome position (GRCh38, 1-based): chr17:61,685,962, T>C on the plus strand (A>G on the coding strand, the complement: BRIP1 is on the minus strand). VCF-style: chr17-61685962-T-C. GRCh37 (hg19) VCF-style: chr17-59763323-T-C.
Other names: short protein forms S927G.
Identifiers: ClinVar variation 853295 (VCV000853295.10), dbSNP rs2061355061, ClinGen allele CA400481551.